The following is an entry in ClinVar:

ClinVar aggregate classification (germline): Uncertain significance (1 of 4 stars; one submission).

Conditions:
Periodic fever-infantile enterocolitis-autoinflammatory syndrome. Also called: Autoinflammation with infantile enterocolitis. Identifiers: Orphanet 436166, MedGen C4015067, MONDO:0014472, OMIM 616050.
Familial cold autoinflammatory syndrome 4 (FCAS4). Identifiers: Orphanet 47045, Orphanet 576349, MedGen C4015276, MONDO:0014498, OMIM 616115.

Submission:

Labcorp Genetics (formerly Invitae), Labcorp
Classification: Uncertain significance for Periodic fever-infantile enterocolitis-autoinflammatory syndrome; Familial cold autoinflammatory syndrome 4. Last evaluated: 2023-06-27. Review status: criteria provided, single submitter. Criteria: Invitae Variant Classification Sherloc (09022015). Collection method: clinical testing. Allele origin: germline.
Comment: This sequence change replaces leucine, which is neutral and non-polar, with histidine, which is basic and polar, at codon 919 of the NLRC4 protein (p.Leu919His). This variant is not present in population databases (gnomAD no frequency). This variant has not been reported in the literature in individuals affected with NLRC4-related conditions. Advanced modeling of protein sequence and biophysical properties (such as structural, functional, and spatial information, amino acid conservation, physicochemical variation, residue mobility, and thermodynamic stability) has been performed at Invitae for this missense variant, however the output from this modeling did not meet the statistical confidence thresholds required to predict the impact of this variant on NLRC4 protein function. In summary, the available evidence is currently insufficient to determine the role of this variant in disease. Therefore, it has been classified as a Variant of Uncertain Significance.

NM_001199138.2(NLRC4):c.2756T>A (p.Leu919His)

Gene: NLRC4 (NLR family CARD domain containing 4; minus strand). Cytogenetic location: 2p22.3.
Variant type: single nucleotide variant.
Coding change: c.2756T>A on transcript NM_001199138.2 (MANE Select); coding-DNA position 2756, T replaced by A.
Protein change: p.Leu919His; replaces leucine 919 with histidine.
Molecular consequence: missense variant.
Genome position (GRCh38, 1-based): chr2:32,235,427, A>T on the plus strand (T>A on the coding strand, the complement: NLRC4 is on the minus strand). VCF-style: chr2-32235427-A-T. GRCh37 (hg19) VCF-style: chr2-32460496-A-T.
Other names: c.2756T>A, p.Leu919His (NM_001199139.2, NM_021209.5); c.761T>A, p.Leu254His (NM_001302504.2); short protein forms L254H, L919H.
Identifiers: ClinVar variation 2949369 (VCV002949369.3), dbSNP rs2466719479, ClinGen allele CA346520606.